The following is an entry in ClinVar:

ClinVar aggregate classification (germline): Pathogenic (1 of 4 stars; one submission).

Allele frequency attached by ClinVar (database versions not stated): ExAC 0.00001; gnomAD exomes 0.00001.

Submission:

Labcorp Genetics (formerly Invitae), Labcorp
Classification: Pathogenic. Last evaluated: 2022-08-14. Review status: criteria provided, single submitter. Criteria: Invitae Variant Classification Sherloc (09022015). Collection method: clinical testing. Allele origin: germline.
Comment: For these reasons, this variant has been classified as Pathogenic. This variant has not been reported in the literature in individuals affected with KIZ-related conditions. This variant is present in population databases (rs749011772, gnomAD 0.0009%). This sequence change creates a premature translational stop signal (p.Gln432Asnfs*6) in the KIZ gene. It is expected to result in an absent or disrupted protein product. Loss-of-function variants in KIZ are known to be pathogenic (PMID: 24680887, 29057815).

Literature cited by the submitters: PubMed 24680887; PubMed 29057815.

NM_018474.6(KIZ):c.1293_1294del (p.Gln432fs)

Gene: KIZ (kizuna centrosomal protein; plus strand). Cytogenetic location: 20p11.23.
Variant type: Deletion.
Coding change: c.1293_1294del on transcript NM_018474.6 (MANE Select); coding-DNA positions 1293 to 1294, 2 bases deleted (GC; older notation c.1293_1294delGC).
Protein change: p.Gln432fs; shifts the reading frame from glutamine 432.
Molecular consequence: frameshift variant.
Genome position (GRCh38, 1-based): chr20:21,163,100-21,163,101, GC deleted. VCF-style (leftmost placement, unchanged base first): chr20-21163099-TGC-T. GRCh37 (hg19) VCF-style: chr20-21143740-TGC-T.
Other names: c.984_985del, p.Gln329fs (NM_001163022.3, NM_001352435.2); c.894_895del, p.Gln299fs (NM_001163023.3); c.1146_1147del, p.Gln383fs (NM_001276389.2); c.1293_1294del, p.Gln432fs (NM_001352434.2); c.951_952del, p.Gln318fs (NM_001352436.2); short protein forms Q318fs, Q432fs, Q329fs, Q383fs, Q299fs.
Identifiers: ClinVar variation 2120452 (VCV002120452.4), dbSNP rs749011772, ClinGen allele CA9784809.
Genomic context (GRCh38, chr20:21,163,099, plus strand): 5'-TAAAATTAATCCATGCTGAGCAAGAAAGAGTTGCCCTATCCACTGAAAAAAATTGTATTT[TGC>T]AAACCCTAAGCTCTCCTGATTCAGAAAAGGAATCCTCCACTAACGCACCAACAAGAGAGT-3'